The following is an entry in ClinVar:

NM_001042492.3(NF1):c.4207G>T (p.Gly1403Cys)

Gene: NF1 (neurofibromin 1; plus strand). Cytogenetic location: 17q11.2.
Variant type: single nucleotide variant.
Coding change: c.4207G>T on transcript NM_001042492.3 (MANE Select); coding-DNA position 4207, G replaced by T.
Protein change: p.Gly1403Cys; replaces glycine 1403 with cysteine.
Molecular consequence: missense variant.
Genome position (GRCh38, 1-based): chr17:31,258,377, G>T. VCF-style: chr17-31258377-G-T. GRCh37 (hg19) VCF-style: chr17-29585395-G-T.
Other names: c.4144G>T, p.Gly1382Cys (NM_000267.4); short protein forms G1403C, G1382C.
Identifiers: ClinVar variation 2845025 (VCV002845025.4), dbSNP rs138227618, ClinGen allele CA398997669.

ClinVar aggregate classification (germline): Uncertain significance. Review status: criteria provided, multiple submitters, no conflicts (2 of 4 stars). 2 submissions from 2 submitters: Uncertain significance (2). Last evaluated 2023-07-27.

Conditions:
Hereditary cancer-predisposing syndrome. Also called: Hereditary Cancer Syndrome; Hereditary neoplastic syndrome; Neoplastic Syndromes, Hereditary; Tumor predisposition. Identifiers: Orphanet 140162, MedGen C0027672, MeSH D009386, MONDO:0015356.
Cardiovascular phenotype. Identifiers: MedGen CN230736.
Neurofibromatosis, type 1 (NF1). Also called: Neurofibromatosis, type I; VON RECKLINGHAUSEN DISEASE; NEUROFIBROMATOSIS, TYPE I, SOMATIC; Peripheral type neurofibromatosis. Identifiers: Orphanet 636, MedGen C0027831, MONDO:0018975, OMIM 162200. Disease mechanism: loss of function.

Submissions (2):

Ambry Genetics
Classification: Uncertain significance for Cardiovascular phenotype; Hereditary cancer-predisposing syndrome. Last evaluated: 2023-07-27. Review status: criteria provided, single submitter. Criteria: Ambry Variant Classification Scheme 2023. Collection method: clinical testing. Allele origin: germline.
Comment: The p.G1382C variant (also known as c.4144G>T), located in coding exon 31 of the NF1 gene, results from a G to T substitution at nucleotide position 4144. The glycine at codon 1382 is replaced by cysteine, an amino acid with highly dissimilar properties. This amino acid position is highly conserved in available vertebrate species. In addition, this alteration is predicted to be deleterious by in silico analysis. Since supporting evidence is limited at this time, the clinical significance of this alteration remains unclear.

Labcorp Genetics (formerly Invitae), Labcorp
Classification: Uncertain significance for Neurofibromatosis, type 1. Last evaluated: 2023-03-12. Review status: criteria provided, single submitter. Criteria: Invitae Variant Classification Sherloc (09022015). Collection method: clinical testing. Allele origin: germline.
Comment: In summary, the available evidence is currently insufficient to determine the role of this variant in disease. Therefore, it has been classified as a Variant of Uncertain Significance. Advanced modeling of protein sequence and biophysical properties (such as structural, functional, and spatial information, amino acid conservation, physicochemical variation, residue mobility, and thermodynamic stability) performed at Invitae indicates that this missense variant is expected to disrupt NF1 protein function. This variant has not been reported in the literature in individuals affected with NF1-related conditions. This variant is not present in population databases (gnomAD no frequency). This sequence change replaces glycine, which is neutral and non-polar, with cysteine, which is neutral and slightly polar, at codon 1382 of the NF1 protein (p.Gly1382Cys).